The following is an entry in ClinVar:

NC_000016.10:g.(?_8811069)_(8832245_?)del

Genes: PMM2 (phosphomannomutase 2; plus strand), LOC130058392 (ATAC-STARR-seq lymphoblastoid silent region 7179; plus strand), LOC130058393 (ATAC-STARR-seq lymphoblastoid silent region 7180; plus strand). Cytogenetic location: 16p13.2.
Variant type: Deletion.
Identifiers: ClinVar variation 666215 (VCV000666215.7).

ClinVar aggregate classification (germline): Pathogenic (1 of 4 stars; one submission).

Conditions:
PMM2-congenital disorder of glycosylation. Also called: PMM2-CDG; PHOSPHOMANNOMUTASE 2 DEFICIENCY; CARBOHYDRATE-DEFICIENT GLYCOPROTEIN SYNDROME, TYPE Ia; Congenital disorder of glycosylation, type Ia; CDG Ia; JAEKEN SYNDROME. Identifiers: Orphanet 79318, MedGen C0349653, MONDO:0008907, OMIM 212065.

Submission:

Labcorp Genetics (formerly Invitae), Labcorp
Classification: Pathogenic for PMM2-congenital disorder of glycosylation. Last evaluated: 2022-10-04. Review status: criteria provided, single submitter. Criteria: Invitae Variant Classification Sherloc (09022015). Collection method: clinical testing. Allele origin: germline.
Comment: This variant is a gross deletion of the genomic region encompassing exon(s) 5-7 of the PMM2 gene. While this deletion is not anticipated to lead to nonsense mediated decay, it is expected to disrupt the C-terminus of the protein. This variant has not been reported in the literature in individuals affected with PMM2-related conditions. This variant disrupts a region of the PMM2 protein in which other variant(s) (p.Thr237Arg) have been determined to be pathogenic (PMID: 9497260, 10602363, 25355454, 25497157). This suggests that this is a clinically significant region of the protein, and that variants that disrupt it are likely to be disease-causing. For these reasons, this variant has been classified as Pathogenic.

Literature cited by the submitters: PubMed 9497260; PubMed 10602363; PubMed 25355454; PubMed 25497157.